The following is an entry in ClinVar:

ClinVar aggregate classification (germline): Uncertain significance (1 of 4 stars; one submission).

Conditions:
Sialuria. Also called: Sialic Acid Storage Disease; SIALURIA, FRENCH TYPE. Identifiers: Orphanet 3166, MedGen C0342853, MONDO:0010028, OMIM 269921.
GNE myopathy (NM). Also called: INCLUSION BODY MYOPATHY, HEREDITARY, AUTOSOMAL RECESSIVE; INCLUSION BODY MYOPATHY 2, AUTOSOMAL RECESSIVE; MYOPATHY, DISTAL, WITH OR WITHOUT RIMMED VACUOLES; IBM 2; Inclusion body myopathy autosomal recessive; Inclusion body myopathy quadriceps sparing. Identifiers: Orphanet 602, MedGen C1853926, MONDO:0011603, OMIM 605820.

Allele frequency attached by ClinVar (database versions not stated): gnomAD exomes below 0.00001.
gnomAD v4.1: 1 of 1,614,254 alleles (0.000062%); highest among the groups gnomAD compares: South Asian, 0.0011%; no homozygotes.

Submission:

Labcorp Genetics (formerly Invitae), Labcorp
Classification: Uncertain significance for Sialuria; GNE myopathy. Last evaluated: 2022-07-29. Review status: criteria provided, single submitter. Criteria: Invitae Variant Classification Sherloc (09022015). Collection method: clinical testing. Allele origin: germline.
Comment: This sequence change replaces leucine, which is neutral and non-polar, with proline, which is neutral and non-polar, at codon 148 of the GNE protein (p.Leu148Pro). This variant is present in population databases (no rsID available, gnomAD 0.003%). This missense change has been observed in individual(s) with clinical features of GNE-related myopathy (Invitae). Algorithms developed to predict the effect of missense changes on protein structure and function (SIFT, PolyPhen-2, Align-GVGD) all suggest that this variant is likely to be disruptive. In summary, the available evidence is currently insufficient to determine the role of this variant in disease. Therefore, it has been classified as a Variant of Uncertain Significance.

NM_005476.7(GNE):c.350T>C (p.Leu117Pro)

Gene: GNE (glucosamine (UDP-N-acetyl)-2-epimerase/N-acetylmannosamine kinase; minus strand). Cytogenetic location: 9p13.3.
Variant type: single nucleotide variant.
Coding change: c.350T>C on transcript NM_005476.7 (MANE Select); coding-DNA position 350, T replaced by C.
Protein change: p.Leu117Pro; replaces leucine 117 with proline.
Molecular consequence: missense variant.
Genome position (GRCh38, 1-based): chr9:36,246,297, A>G on the plus strand (T>C on the coding strand, the complement: GNE is on the minus strand). VCF-style: chr9-36246297-A-G. GRCh37 (hg19) VCF-style: chr9-36246294-A-G.
Other names: c.443T>C, p.Leu148Pro (NM_001128227.3); c.350T>C, p.Leu117Pro (NM_001190383.3, NM_001374797.1); c.173T>C, p.Leu58Pro (NM_001190384.3, NM_001190388.2, NM_001374798.1); short protein forms L117P, L148P, L58P.
Identifiers: ClinVar variation 1714260 (VCV001714260.5), dbSNP rs1296217324, ClinGen allele CA373419286.